The following is an entry in ClinVar:

ClinVar aggregate classification (germline): Pathogenic (1 of 4 stars; one submission).

Conditions:
Fanconi anemia (FA). Also called: Fanconi's anemia. Identifiers: Orphanet 84, MedGen C0015625, MeSH D005199, MONDO:0019391.

Submission:

Labcorp Genetics (formerly Invitae), Labcorp
Classification: Pathogenic for Fanconi anemia. Last evaluated: 2023-06-28. Review status: criteria provided, single submitter. Criteria: Invitae Variant Classification Sherloc (09022015). Collection method: clinical testing. Allele origin: germline.
Comment: For these reasons, this variant has been classified as Pathogenic. ClinVar contains an entry for this variant (Variation ID: 1070503). This variant has not been reported in the literature in individuals affected with FANCG-related conditions. This variant is not present in population databases (gnomAD no frequency). This sequence change creates a premature translational stop signal (p.Trp122*) in the FANCG gene. It is expected to result in an absent or disrupted protein product. Loss-of-function variants in FANCG are known to be pathogenic (PMID: 12552564).

Literature cited by the submitters: PubMed 12552564.

NM_004629.2(FANCG):c.365G>A (p.Trp122Ter)

Gene: FANCG (FA complementation group G; minus strand). Cytogenetic location: 9p13.3.
Variant type: single nucleotide variant.
Coding change: c.365G>A on transcript NM_004629.2 (MANE Select); coding-DNA position 365, G replaced by A.
Protein change: p.Trp122Ter; replaces tryptophan 122 with a stop codon.
Molecular consequence: nonsense.
Genome position (GRCh38, 1-based): chr9:35,078,286, C>T on the plus strand (G>A on the coding strand, the complement: FANCG is on the minus strand). VCF-style: chr9-35078286-C-T. GRCh37 (hg19) VCF-style: chr9-35078283-C-T.
Other names: short protein forms W122*.
Identifiers: ClinVar variation 1070503 (VCV001070503.7), dbSNP rs2131058553, ClinGen allele CA373314545.
Genomic context (GRCh38, chr9:35,078,286, plus strand): 5'-AGGCGGTGCAGGGCAGACAGCAGCTCCGGCAGAAGGCAGGAAGCACGAAGGACAGAGTCC[C>T]ACAGCTCCCTGAGCCCCTGTTCCAACCTGGGCCCCTGCTGCTCCTGTGTCTCCAGCACTG-3'